The following is an entry in ClinVar:

NM_183381.3(RNF13):c.605T>C (p.Met202Thr)

Gene: RNF13 (ring finger protein 13; plus strand). Cytogenetic location: 3q25.1.
Variant type: single nucleotide variant.
Coding change: c.605T>C on transcript NM_183381.3 (MANE Select); coding-DNA position 605, T replaced by C.
Protein change: p.Met202Thr; replaces methionine 202 with threonine.
Molecular consequence: missense variant. On other transcripts: non-coding transcript variant (1).
Genome position (GRCh38, 1-based): chr3:149,912,082, T>C. VCF-style: chr3-149912082-T-C. GRCh37 (hg19) VCF-style: chr3-149629869-T-C.
Other names: c.605T>C, p.Met202Thr (NM_001378285.1, NM_001378286.1, NM_007282.4); c.248T>C, p.Met83Thr (NM_001378287.1, NM_001378288.1, NM_001378289.1 and 2 more transcripts); c.212T>C, p.Met71Thr (NM_001378291.1); short protein forms M202T, M83T, M71T.
Identifiers: ClinVar variation 2980404 (VCV002980404.4), dbSNP rs1717053462, ClinGen allele CA355011461.

ClinVar aggregate classification (germline): Uncertain significance. Review status: criteria provided, multiple submitters, no conflicts (2 of 4 stars). 2 submissions from 2 submitters: Uncertain significance (2). Last evaluated 2023-06-13.

Allele frequency attached by ClinVar (database versions not stated): gnomAD exomes below 0.00001; TOPMed below 0.00001.
gnomAD v4.1: 4 of 1,425,026 alleles (0.00028%); highest among the groups gnomAD compares: Non-Finnish European, 0.0004%; no homozygotes.

Submissions (2):

Blueprint Genetics
Classification: Uncertain significance. Last evaluated: 2023-06-13. Review status: criteria provided, single submitter. Criteria: ACMG Guidelines, 2015. Collection method: clinical testing. Allele origin: germline.

Labcorp Genetics (formerly Invitae), Labcorp
Classification: Uncertain significance. Last evaluated: 2022-12-10. Review status: criteria provided, single submitter. Criteria: Invitae Variant Classification Sherloc (09022015). Collection method: clinical testing. Allele origin: germline.
Comment: This variant has not been reported in the literature in individuals affected with RNF13-related conditions. This variant is not present in population databases (gnomAD no frequency). This sequence change replaces methionine, which is neutral and non-polar, with threonine, which is neutral and polar, at codon 202 of the RNF13 protein (p.Met202Thr). Algorithms developed to predict the effect of missense changes on protein structure and function are either unavailable or do not agree on the potential impact of this missense change (SIFT: "Deleterious"; PolyPhen-2: "Possibly Damaging"; Align-GVGD: "Class C0"). In summary, the available evidence is currently insufficient to determine the role of this variant in disease. Therefore, it has been classified as a Variant of Uncertain Significance.